The following is an entry in ClinVar:

ClinVar aggregate classification (germline): Conflicting classifications of pathogenicity. Review status: criteria provided, conflicting classifications (1 of 4 stars). 28 submissions from 25 submitters: Pathogenic (11); Likely pathogenic (7); Uncertain significance (5). 5 of the submissions do not count toward it. Last evaluated 2026-07-17.

Conditions:
ERCC4-related disorder. Also called: ERCC4-related condition.
ERCC4-Related Disorders.
Autosomal recessive ERCC4-related disorders.
Xeroderma pigmentosum, group F (XPF). Also called: XERODERMA PIGMENTOSUM, TYPE F; Xeroderma pigmentosum, type 6; XP, GROUP F; XERODERMA PIGMENTOSUM, COMPLEMENTATION GROUP F; ERCC4-Related Xeroderma Pigmentosum; XERODERMA PIGMENTOSUM VI. Identifiers: MedGen C0268140, MONDO:0010215, OMIM 278760.
Fanconi anemia complementation group Q. Identifiers: Orphanet 84, MedGen C3808988, MONDO:0014108, OMIM 615272.
Cockayne syndrome. Identifiers: Orphanet 191, MedGen C0009207, MONDO:0016006.
XFE progeroid syndrome (XFEPS). Also called: XPF-ERCC1 PROGEROID SYNDROME. Identifiers: MedGen C1970416, MONDO:0012590, OMIM 610965.
Xeroderma pigmentosum (XP). Identifiers: Orphanet 910, MedGen C0043346, MONDO:0019600.
Carcinoma of pancreas. Also called: Pancreatic cancer, somatic; Pancreatic carcinoma, somatic; PANCREATIC ACINAR CARCINOMA; PANCREATIC CARCINOMA; Exocrine pancreatic carcinoma. Identifiers: Orphanet 1333, Orphanet 217074, MedGen C0235974, MONDO:0005192. Disease mechanism: loss of function.
Hutchinson-Gilford syndrome (HGPS). Also called: Hutchinson-Gilford Progeria Syndrome. Identifiers: Orphanet 740, MedGen C0033300, MONDO:0008310, OMIM 176670.
Breast carcinoma. Also called: Carcinoma of breast. Identifiers: MedGen C0678222, MONDO:0004989, HP:0003002.

Allele frequency attached by ClinVar (database versions not stated): TOPMed 0.00143; gnomAD 0.00013; gnomAD exomes 0.00048 and 0.00063; ExAC 0.00051.
gnomAD v4.1: 1,015 of 1,614,148 alleles (0.063%); highest among the groups gnomAD compares: Non-Finnish European, 0.075%; 1 homozygote.

Submissions 1 to 7 of 28:

PreventionGenetics, part of Exact Sciences
Classification: Likely pathogenic for ERCC4-related condition. Last evaluated: 2026-07-17. Review status: criteria provided, single submitter. Criteria: ACMG Guidelines, 2015. Collection method: clinical testing. Allele origin: germline.
Comment: The ERCC4 c.2395C>T variant is predicted to result in the amino acid substitution p.Arg799Trp. This variant has been reported in the compound heterozygous and homozygous state in patients affected with xeroderma pigmentosum (F) (reported as R788W in Sijbers et al. 1996. PubMed ID: 8797827 and Sijbers et al. 1998. PubMed ID: 9579555; HGMD# CM960516 in Table S9 in Bell et al. 2011. PubMed ID: 21228398; Doi et al. 2018. PubMed ID: 29403087; Shanbhag et al. 2018. PubMed ID: 29892709; Marelli et al. 2016. PubMed ID: 27528516; Kashiyama et al. 2013. PubMed ID: 23623389). This variant has also been identified in individuals with pancreatic adenocarcinoma (Shindo et al. 2017. PubMed ID: 28767289), head and neck squamous cell carcinoma (Chandrasekharappa et al. 2017. PubMed ID: 28678401), and colorectal cancer (Goldstein et al. 2020. PubMed ID: 31871297), but was also found in healthy control individuals (Table 2, Dobbins et al. 2016. PubMed ID: 27356891; Bodian et al. 2014. PubMed ID: 24728327).﻿ In the Dobbins et al. 2016 paper the authors conclude that they did not observe a significant difference in the frequency of pathogenic variants between cases and controls in their cohort. This variant is reported in 0.081% of alleles in individuals of European (non-Finnish) descent in gnomAD. Based on the available evidence, this variant is interpreted as likely pathogenic for autosomal recessive ERCC4-related disease.

CeGaT Center for Human Genetics Tuebingen
Classification: Pathogenic. Last evaluated: 2026-06-01. Review status: criteria provided, single submitter. Criteria: CeGaT Center For Human Genetics Tuebingen Variant Classification Criteria Version 2. Collection method: clinical testing. Allele origin: germline. Affected: yes. Observed: 24 variant alleles.
Comment: ERCC4: PM3:Very Strong, PM2:Supporting, PS3:Supporting

Labcorp Genetics (formerly Invitae), Labcorp
Classification: Pathogenic for Fanconi anemia complementation group Q; Xeroderma pigmentosum, group F; Cockayne syndrome. Last evaluated: 2026-01-15. Review status: criteria provided, single submitter. Criteria: Invitae Variant Classification Sherloc (09022015). Collection method: clinical testing. Allele origin: germline.
Comment: This sequence change replaces arginine, which is basic and polar, with tryptophan, which is neutral and slightly polar, at codon 799 of the ERCC4 protein (p.Arg799Trp). This variant is present in population databases (rs121913049, gnomAD 0.08%), and has an allele count higher than expected for a pathogenic variant. This missense change has been observed in individual(s) with clinical features of ERCC4-related conditions (PMID: 8797827, 20221251, 23623389, 26074087, 27356891, 27528516, 28431612, 28678401, 28767289, 29105242, 29403087, 29892709). In at least one individual the data is consistent with being in trans (on the opposite chromosome) from a pathogenic variant. This variant is also known as c.2377C>T, p.Arg788Trp. ClinVar contains an entry for this variant (Variation ID: 16580). Invitae Evidence Modeling of protein sequence and biophysical properties (such as structural, functional, and spatial information, amino acid conservation, physicochemical variation, residue mobility, and thermodynamic stability) indicates that this missense variant is expected to disrupt ERCC4 protein function with a positive predictive value of 80%. Experimental studies have shown that this missense change affects ERCC4 function (PMID: 9579555, 20221251). For these reasons, this variant has been classified as Pathogenic.

Variantyx, Inc.
Classification: Pathogenic for Autosomal recessive ERCC4-related disorders. Last evaluated: 2025-09-25. Review status: criteria provided, single submitter. Criteria: Variantyx Assertion Criteria 2022. Collection method: clinical testing. Allele origin: germline. Inheritance: Autosomal recessive inheritance. Affected: yes.
Comment: This is a nonsynonymous variant in the ERCC4 gene (OMIM: 133520). Pathogenic variants in this gene have been associated with autosomal recessive ERCC4-related disorders. This variant has been identified in the homozygous or compound heterozygous state in at least 8 individuals reported in the published literature (PMID: 8797827, 9579555, 29892709, 20221251, 28431612) (PM3) andit has been observed to segregate with disease in 2 siblings (PMID: 20221251) (PP1). Computational algorithms produce conflicting evidence regarding the predicted functional impact of this variant (REVEL score: 0.51), but functional studies have shown that this variant alters ERCC4 protein function (PMID: 20221251, 9579555) (PS3). This variant has a 0.0749% maximum allele frequency in non-founder control populations (PM2). Based on the current evidence, this variant is classified as pathogenic for autosomal recessive ERCC4-related disorders.

Women's Health and Genetics/Laboratory Corporation of America, LabCorp
Classification: Likely pathogenic for Xeroderma pigmentosum. Last evaluated: 2025-07-07. Review status: criteria provided, single submitter. Criteria: LabCorp Variant Classification Summary - May 2015. Collection method: clinical testing. Allele origin: germline.
Comment: Variant summary: ERCC4 c.2395C>T (p.Arg799Trp) results in a non-conservative amino acid change located in the ERCC4 domain (IPR006166) of the encoded protein sequence. Algorithms developed to predict the effect of missense changes on protein structure and function are either unavailable or do not agree on the potential impact of this missense change. The variant allele was found at a frequency of 0.00048 in 251312 control chromosomes, predominantly at a frequency of 0.00089 within the Non-Finnish European subpopulation in the gnomAD database. The observed variant frequency within Non-Finnish European control individuals in the gnomAD database is approximately 4.6 fold of the estimated maximal expected allele frequency for a pathogenic variant in ERCC4 causing Xeroderma Pigmentosum phenotype (0.00019). c.2395C>T has been observed in multiple homozygous and compound heterozygous individuals affected with mild features of Xeroderma Pigmentosum associated with later onset neurodegeneration/ataxia/chorea/variant forms of Cockayne syndrome/XP-F complementation group (Sijbers_1998, Ahmad_2010, Marelli_2016, Carre_2017, Ngo_2020, Kashiyama_2013, Shanbag_2018, Doi_2018, Mori_2018). These data indicate that the variant is very likely to be associated with disease. At least one publication reports experimental evidence evaluating an impact on protein function (Sijbers_1998, Ahmad_2010). The most pronounced variant effect results in approximately 20% of normal Nucleotide Excision Repair (NER) activity. The following publications have been ascertained in the context of this evaluation (PMID: 20221251, 28431612, 29403087, 23623389, 27528516, 29105242, 31692161, 29892709, 9579555). ClinVar contains an entry for this variant (Variation ID: 16580). Based on the evidence outlined above, the variant was classified as likely pathogenic.

Blueprint Genetics
Classification: Pathogenic for ERCC4-related disorders. Last evaluated: 2024-11-21. Review status: criteria provided, single submitter. Criteria: ACMG Guidelines, 2015. Collection method: clinical testing. Allele origin: germline. Affected: yes. Observed: 5 variant alleles.

Institute of Human Genetics Munich, TUM University Hospital
Classification: Likely pathogenic for Xeroderma pigmentosum, group F. Last evaluated: 2024-06-18. Review status: criteria provided, single submitter. Criteria: Classification criteria August 2017. Collection method: clinical testing. Allele origin: germline. Inheritance: Autosomal recessive inheritance. Affected: yes. Observed: 1 variant allele.

NM_005236.3(ERCC4):c.2395C>T (p.Arg799Trp)

Gene: ERCC4 (ERCC excision repair 4, endonuclease catalytic subunit; plus strand). Cytogenetic location: 16p13.12.
Variant type: single nucleotide variant.
Coding change: c.2395C>T on transcript NM_005236.3 (MANE Select); coding-DNA position 2395, C replaced by T.
Protein change: p.Arg799Trp; replaces arginine 799 with tryptophan.
Molecular consequence: missense variant.
Genome position (GRCh38, 1-based): chr16:13,947,991, C>T. VCF-style: chr16-13947991-C-T. GRCh37 (hg19) VCF-style: chr16-14041848-C-T.
Other names: R788W; short protein forms R799W.
Identifiers: ClinVar variation 16580 (VCV000016580.91), dbSNP rs121913049, ClinGen allele CA126686.